The following is an entry in ClinVar:

ClinVar aggregate classification (germline): Uncertain significance (1 of 4 stars; one submission).

Submission:

GeneDx
Classification: Uncertain significance. Last evaluated: 2017-03-10. Review status: criteria provided, single submitter. Criteria: GeneDx Variant Classification (06012015). Collection method: clinical testing. Allele origin: germline. Affected: yes.
Comment: The H40Q variant in the CBL gene has not been reported previously as a pathogenic variant, nor as a benign variant, to our knowledge. The H40Q variant is not observed in large population cohorts (Lek et al., 2016; 1000 Genomes Consortium et al., 2015; Exome Variant Server). The H40Q variant is a semi-conservative amino acid substitution, which may impact secondary protein structure as these residues differ in some properties. This substitution occurs at a position that is conserved across species. In silico analysis is inconsistent in its predictions as to whether or not the variant is damaging to the protein structure/function. We interpret H40Q as a variant of uncertain significance.

NM_005188.4(CBL):c.120C>G (p.His40Gln)

Genes: CBL (Cbl proto-oncogene; plus strand), LOC130006895 (ATAC-STARR-seq lymphoblastoid silent region 3975; plus strand). Cytogenetic location: 11q23.3.
Variant type: single nucleotide variant.
Coding change: c.120C>G on transcript NM_005188.4 (MANE Select); coding-DNA position 120, C replaced by G.
Protein change: p.His40Gln; replaces histidine 40 with glutamine.
Molecular consequence: missense variant.
Genome position (GRCh38, 1-based): chr11:119,206,537, C>G. VCF-style: chr11-119206537-C-G. GRCh37 (hg19) VCF-style: chr11-119077247-C-G.
Other names: short protein forms H40Q.
Identifiers: ClinVar variation 424259 (VCV000424259.2), dbSNP rs745328496, ClinGen allele CA16619286.